The following is an entry in ClinVar:

ClinVar aggregate classification (germline): Uncertain significance (1 of 4 stars; one submission).

Conditions:
Cardiovascular phenotype. Identifiers: MedGen CN230736.

Allele frequency attached by ClinVar (database versions not stated): gnomAD exomes below 0.00001; TOPMed 0.00002; gnomAD 0.00004.
gnomAD v4.1: 7 of 1,550,306 alleles (0.00045%); highest among the groups gnomAD compares: African/African-American, 0.0096%; no homozygotes.

Submission:

Ambry Genetics
Classification: Uncertain significance for Cardiovascular phenotype. Last evaluated: 2021-10-21. Review status: criteria provided, single submitter. Criteria: Ambry Variant Classification Scheme 2023. Collection method: clinical testing. Allele origin: germline.
Comment: The p.A1674G variant (also known as c.5021C>G), located in coding exon 2 of the ZNF469 gene, results from a C to G substitution at nucleotide position 5021. The alanine at codon 1674 is replaced by glycine, an amino acid with similar properties. This amino acid position is conserved. In addition, this alteration is predicted to be tolerated by in silico analysis. Since supporting evidence is limited at this time, the clinical significance of this alteration remains unclear.

NM_001367624.2(ZNF469):c.5105C>G (p.Ala1702Gly)

Gene: ZNF469 (zinc finger protein 469; plus strand). Cytogenetic location: 16q24.2.
Variant type: single nucleotide variant.
Coding change: c.5105C>G on transcript NM_001367624.2 (MANE Select); coding-DNA position 5105, C replaced by G.
Protein change: p.Ala1702Gly; replaces alanine 1702 with glycine.
Molecular consequence: missense variant.
Genome position (GRCh38, 1-based): chr16:88,432,575, C>G. VCF-style: chr16-88432575-C-G. GRCh37 (hg19) VCF-style: chr16-88498983-C-G.
Other names: NM_001127464.1:c.5021C>G; short protein forms A1702G.
Identifiers: ClinVar variation 1744842 (VCV001744842.2), dbSNP rs1007031901, ClinGen allele CA286377014.